The following is an entry in ClinVar:

NM_004525.3(LRP2):c.2095A>T (p.Thr699Ser)

Gene: LRP2 (LDL receptor related protein 2; minus strand). Cytogenetic location: 2q31.1.
Variant type: single nucleotide variant.
Coding change: c.2095A>T on transcript NM_004525.3 (MANE Select); coding-DNA position 2095, A replaced by T.
Protein change: p.Thr699Ser; replaces threonine 699 with serine.
Molecular consequence: missense variant.
Genome position (GRCh38, 1-based): chr2:169,272,948, T>A on the plus strand (A>T on the coding strand, the complement: LRP2 is on the minus strand). VCF-style: chr2-169272948-T-A. GRCh37 (hg19) VCF-style: chr2-170129458-T-A.
Other names: short protein forms T699S.
Identifiers: ClinVar variation 4985695 (VCV004985695.1).

ClinVar aggregate classification (germline): Uncertain significance (1 of 4 stars; one submission).

Conditions:
LRP2-related disorder. Also called: LRP2-related condition.

Submission:

PreventionGenetics, part of Exact Sciences
Classification: Uncertain significance for LRP2-related condition. Last evaluated: 2025-01-06. Review status: criteria provided, single submitter. Criteria: ACMG Guidelines, 2015. Collection method: clinical testing. Allele origin: germline.
Comment: The LRP2 c.2095A>T variant is predicted to result in the amino acid substitution p.Thr699Ser. To our knowledge, this variant has not been reported in the literature or in a large population database (gnomAD), indicating this variant is rare. At this time, the clinical significance of this variant is uncertain due to the absence of conclusive functional and genetic evidence.